The following is an entry in ClinVar:

NM_000535.7(PMS2):c.2549T>C (p.Met850Thr)

Gene: PMS2 (PMS1 homolog 2, mismatch repair system component; minus strand). Cytogenetic location: 7p22.1.
Variant type: single nucleotide variant.
Coding change: c.2549T>C on transcript NM_000535.7 (MANE Select); coding-DNA position 2549, T replaced by C.
Protein change: p.Met850Thr; replaces methionine 850 with threonine.
Molecular consequence: missense variant. On other transcripts: non-coding transcript variant (1).
Genome position (GRCh38, 1-based): chr7:5,973,439, A>G on the plus strand (T>C on the coding strand, the complement: PMS2 is on the minus strand). VCF-style: chr7-5973439-A-G. GRCh37 (hg19) VCF-style: chr7-6013070-A-G.
Other names: c.1346T>C, p.Met449Thr (NM_001406912.1); c.2144T>C, p.Met715Thr (NM_001018040.1, NM_001322003.2, NM_001322004.2 and 12 more transcripts); c.2393T>C, p.Met798Thr (NM_001322006.2); c.2231T>C, p.Met744Thr (NM_001322007.2, NM_001322008.2, NM_001406883.1); c.2177T>C, p.Met726Thr (NM_001322009.2, NM_001406887.1, NM_001406888.1); c.1988T>C, p.Met663Thr (NM_001322010.2, NM_001406906.1, NM_001406907.1); c.1616T>C, p.Met539Thr (NM_001322011.2, NM_001322012.2); c.2381T>C, p.Met794Thr (NM_001406874.1, NM_001406872.1); and 20 more; short protein forms M449T, M539T, M593T, M611T, M659T, M663T, M679T, M688T.
Identifiers: ClinVar variation 2677921 (VCV002677921.2), dbSNP rs1781486223, ClinGen allele CA366734817.

ClinVar aggregate classification (germline): Uncertain significance. Review status: criteria provided, multiple submitters, no conflicts (2 of 4 stars). 2 submissions from 2 submitters: Uncertain significance (2). Last evaluated 2026-07-06.

Conditions:
Lynch syndrome 4 (LYNCH4). Also called: Colorectal cancer, hereditary nonpolyposis, type 4; Hereditary non-polyposis colorectal cancer, type 4. Identifiers: Orphanet 144, MedGen C1838333, MONDO:0013699, OMIM 614337. Disease mechanism: loss of function.
Hereditary cancer-predisposing syndrome. Also called: Hereditary neoplastic syndrome; Hereditary Cancer Syndrome; Neoplastic Syndromes, Hereditary; Tumor predisposition. Identifiers: Orphanet 140162, MedGen C0027672, MeSH D009386, MONDO:0015356.

Submissions (2):

Ambry Genetics
Classification: Uncertain significance for Hereditary cancer-predisposing syndrome. Last evaluated: 2026-07-06. Review status: criteria provided, single submitter. Criteria: Ambry Variant Classification Scheme 2023. Collection method: clinical testing. Allele origin: germline.
Comment: The p.M850T variant (also known as c.2549T>C), located in coding exon 15 of the PMS2 gene, results from a T to C substitution at nucleotide position 2549. The methionine at codon 850 is replaced by threonine, an amino acid with similar properties. This amino acid position is conserved. In addition, this alteration is predicted to be deleterious by in silico analysis. Based on the available evidence, the clinical significance of this variant remains unclear.

Baylor Genetics
Classification: Uncertain significance for Lynch syndrome 4. Last evaluated: 2023-06-04. Review status: criteria provided, single submitter. Criteria: ACMG Guidelines, 2015. Collection method: clinical testing. Allele origin: unknown.